The following is an entry in ClinVar:

NM_000477.7(ALB):c.-13C>T

Genes: ALB (albumin; plus strand), LOC111832671 (albumin (ALB) 5' regulatory region; plus strand). Cytogenetic location: 4q13.3.
Variant type: single nucleotide variant.
Coding change: c.-13C>T on transcript NM_000477.7 (MANE Select); 13 bases upstream of the start codon, C replaced by T.
Molecular consequence: 5 prime UTR variant.
Genome position (GRCh38, 1-based): chr4:73,404,315, C>T. VCF-style: chr4-73404315-C-T. GRCh37 (hg19) VCF-style: chr4-74270032-C-T.
Identifiers: ClinVar variation 904660 (VCV000904660.4), dbSNP rs369763404, ClinGen allele CA2959248.

ClinVar aggregate classification (germline): Likely benign (1 of 4 stars; one submission).

Conditions:
Hyperthyroxinemia, familial dysalbuminemic (FDAH). Also called: EUTHYROID HYPERTHYROXINEMIA 1. Identifiers: MedGen C0342185, MONDO:0014448, OMIM 615999.

Allele frequency attached by ClinVar (database versions not stated): 1000 Genomes Project 30x 0.00016; 1000 Genomes Project 0.00020; gnomAD 0.00021 and 0.00022; TOPMed 0.00023; ESP Exome Variant Server 0.00031.

Submission:

Illumina Laboratory Services, Illumina
Classification: Likely benign for Hyperthyroxinemia, familial dysalbuminemic. Last evaluated: 2018-01-13. Review status: criteria provided, single submitter. Criteria: ICSL Variant Classification Criteria 13 December 2019. Collection method: clinical testing. Allele origin: germline.
Comment: This variant was observed in the ICSL laboratory as part of a predisposition screen in an ostensibly healthy population. It had not been previously curated by ICSL or reported in the Human Gene Mutation Database (HGMD: prior to June 1st, 2018), and was therefore a candidate for classification through an automated scoring system. Utilizing variant allele frequency, disease prevalence and penetrance estimates, and inheritance mode, an automated score was calculated to assess if this variant is too frequent to cause the disease. Based on the score and internal cut-off values, a variant classified as likely benign is not then subjected to further curation. The score for this variant resulted in a classification of likely benign for this disease.